The following is an entry in ClinVar:

NM_001364905.1(LRBA):c.130A>G (p.Ile44Val)

Gene: LRBA (LPS responsive beige-like anchor protein; minus strand). Cytogenetic location: 4q31.3.
Variant type: single nucleotide variant.
Coding change: c.130A>G on transcript NM_001364905.1 (MANE Select); coding-DNA position 130, A replaced by G.
Protein change: p.Ile44Val; replaces isoleucine 44 with valine.
Molecular consequence: missense variant.
Genome position (GRCh38, 1-based): chr4:151,014,513, T>C on the plus strand (A>G on the coding strand, the complement: LRBA is on the minus strand). VCF-style: chr4-151014513-T-C. GRCh37 (hg19) VCF-style: chr4-151935665-T-C.
Other names: c.130A>G, p.Ile44Val (NM_001199282.3, NM_001367550.1, NM_006726.5); short protein forms I44V.
Identifiers: ClinVar variation 649973 (VCV000649973.7), dbSNP rs199922826, ClinGen allele CA108439376.

ClinVar aggregate classification (germline): Uncertain significance (1 of 4 stars; one submission).

Conditions:
Combined immunodeficiency due to LRBA deficiency. Also called: Common variable immunodeficiency 8, with autoimmunity. Identifiers: Orphanet 445018, MedGen C3553512, MONDO:0013863, OMIM 614700.

Allele frequency attached by ClinVar (database versions not stated): TOPMed below 0.00001; gnomAD 0.00001; gnomAD exomes 0.00001.
gnomAD v4.1: 16 of 1,614,096 alleles (0.00099%); highest among the groups gnomAD compares: Middle Eastern, 0.016%; no homozygotes.

Submission:

Labcorp Genetics (formerly Invitae), Labcorp
Classification: Uncertain significance for Combined immunodeficiency due to LRBA deficiency. Last evaluated: 2025-12-24. Review status: criteria provided, single submitter. Criteria: Invitae Variant Classification Sherloc (09022015). Collection method: clinical testing. Allele origin: germline.
Comment: This sequence change replaces isoleucine, which is neutral and non-polar, with valine, which is neutral and non-polar, at codon 44 of the LRBA protein (p.Ile44Val). This variant is present in population databases (rs199922826, gnomAD 0.003%). This variant has not been reported in the literature in individuals affected with LRBA-related conditions. ClinVar contains an entry for this variant (Variation ID: 649973). Invitae Evidence Modeling of protein sequence and biophysical properties (such as structural, functional, and spatial information, amino acid conservation, physicochemical variation, residue mobility, and thermodynamic stability) indicates that this missense variant is expected to disrupt LRBA protein function with a positive predictive value of 80%. In summary, the available evidence is currently insufficient to determine the role of this variant in disease. Therefore, it has been classified as a Variant of Uncertain Significance.